The following is an entry in ClinVar:

NM_182641.4(BPTF):c.3460A>C (p.Ser1154Arg)

Gene: BPTF (bromodomain PHD finger transcription factor; plus strand). Cytogenetic location: 17q24.2.
Variant type: single nucleotide variant.
Coding change: c.3460A>C on transcript NM_182641.4 (MANE Select); coding-DNA position 3460, A replaced by C.
Protein change: p.Ser1154Arg; replaces serine 1154 with arginine.
Molecular consequence: missense variant.
Genome position (GRCh38, 1-based): chr17:67,911,344, A>C. VCF-style: chr17-67911344-A-C. GRCh37 (hg19) VCF-style: chr17-65907460-A-C.
Other names: c.3838A>C, p.Ser1280Arg (NM_004459.7); short protein forms S1154R, S1280R.
Identifiers: ClinVar variation 2636429 (VCV002636429.1), dbSNP rs1159337723, ClinGen allele CA400726592.

ClinVar aggregate classification (germline): Uncertain significance (1 of 4 stars; one submission).

Conditions:
BPTF-related disorder. Also called: BPTF-related condition.

Allele frequency attached by ClinVar (database versions not stated): TOPMed 0.00001.

Submission:

PreventionGenetics, part of Exact Sciences
Classification: Uncertain significance for BPTF-related condition. Last evaluated: 2023-01-10. Review status: criteria provided, single submitter. Criteria: ACMG Guidelines, 2015. Collection method: clinical testing. Allele origin: germline.
Comment: The BPTF c.3460A>C variant is predicted to result in the amino acid substitution p.Ser1154Arg. To our knowledge, this variant has not been reported in the literature or in a large population database, indicating this variant is rare. At this time, the clinical significance of this variant is uncertain due to the absence of conclusive functional and genetic evidence.